The following is an entry in ClinVar:

NM_002637.4(PHKA1):c.2460dup (p.Arg821fs)

Gene: PHKA1 (phosphorylase kinase regulatory subunit alpha 1; minus strand). Cytogenetic location: Xq13.1.
Variant type: Duplication.
Coding change: c.2460dup on transcript NM_002637.4 (MANE Select); coding-DNA position 2460, one base duplicated (T; older notation c.2460dupT).
Protein change: p.Arg821fs; shifts the reading frame from arginine 821.
Molecular consequence: frameshift variant.
Genome position (GRCh38, 1-based): chrX:72,611,094, A duplicated on the plus strand (T on the coding strand, the reverse complement: PHKA1 is on the minus strand); the first of 2 consecutive A bases (chrX:72,611,094-72,611,095); duplicating either gives the same sequence. VCF-style (leftmost placement, unchanged base first): chrX-72611093-G-GA. GRCh37 (hg19) VCF-style: chrX-71830943-G-GA.
Other names: c.2460dup, p.Arg821fs (NM_001122670.2); c.2283dup, p.Arg762fs (NM_001172436.2); short protein forms R762fs, R821fs.
Identifiers: ClinVar variation 1935503 (VCV001935503.5), dbSNP rs2522445049, ClinGen allele CA2580101457.
Genomic context (GRCh38, chrX:72,611,093, plus strand): 5'-CAAGTGCTTCCACTTTCTTCCTTAAGATCCCAGAAATGTATCGGATCAGGCCCCAGTGAC[G>GA]AATTTCTCCCACTTTGCCATACAGCTCGGTAAGAAGCTCTCTCACTGTAGCACTCCGTTC-3'

ClinVar aggregate classification (germline): Pathogenic (1 of 4 stars; one submission).

Conditions:
Glycogen storage disease IXd (GSD9D). Also called: GSD IXd; Muscle Phosphorylase Kinase Deficiency. Identifiers: Orphanet 715, MedGen C1845151, MONDO:0010362, OMIM 300559.

Submission:

Labcorp Genetics (formerly Invitae), Labcorp
Classification: Pathogenic for Glycogen storage disease IXd. Last evaluated: 2022-06-19. Review status: criteria provided, single submitter. Criteria: Invitae Variant Classification Sherloc (09022015). Collection method: clinical testing. Allele origin: germline.
Comment: This sequence change creates a premature translational stop signal (p.Arg821Serfs*21) in the PHKA1 gene. It is expected to result in an absent or disrupted protein product. Loss-of-function variants in PHKA1 are known to be pathogenic (PMID: 9731190, 15637709). This variant is not present in population databases (gnomAD no frequency). This variant has not been reported in the literature in individuals affected with PHKA1-related conditions. For these reasons, this variant has been classified as Pathogenic.

Literature cited by the submitters: PubMed 9731190; PubMed 15637709.